The following is an entry in ClinVar:

NM_015346.4(ZFYVE26):c.3114del (p.Met1039fs)

Gene: ZFYVE26 (zinc finger FYVE-type containing 26; minus strand). Cytogenetic location: 14q24.1.
Variant type: Deletion.
Coding change: c.3114del on transcript NM_015346.4 (MANE Select); coding-DNA position 3114, one base deleted (T; older notation c.3114delT).
Protein change: p.Met1039fs; shifts the reading frame from methionine 1039.
Molecular consequence: frameshift variant.
Genome position (GRCh38, 1-based): chr14:67,786,139, A deleted on the plus strand (T on the coding strand, the reverse complement: ZFYVE26 is on the minus strand); the first of 2 consecutive A bases (chr14:67,786,139-67,786,140); deleting either gives the same sequence. VCF-style (leftmost placement, unchanged base first): chr14-67786138-TA-T. GRCh37 (hg19) VCF-style: chr14-68252855-TA-T.
Other names: short protein forms M1039fs.
Identifiers: ClinVar variation 5013614 (VCV005013614.1).

ClinVar aggregate classification (germline): Pathogenic (1 of 4 stars; one submission).

Conditions:
Hereditary spastic paraplegia 15 (SPG15). Also called: SPASTIC PARAPLEGIA 15, AUTOSOMAL RECESSIVE; KJELLIN SYNDROME; SPASTIC PARAPLEGIA AND RETINAL DEGENERATION. Identifiers: Orphanet 100996, MedGen C1849128, MONDO:0010044, OMIM 270700.

Submission:

Myriad Genetics, Inc.
Classification: Pathogenic for Hereditary spastic paraplegia 15. Last evaluated: 2024-10-04. Review status: criteria provided, single submitter. Criteria: Myriad Autosomal Dominant, Autosomal Recessive and X-Linked Classification Criteria (2023). Collection method: clinical testing. Allele origin: unknown.
Comment: NM_015346.3(ZFYVE26):c.3114delT(M1039Cfs*34) is expected to be pathogenic in the context of spastic paraplegia type 15. This variant is predicted to lead to an abnormal or absent protein product due to the creation of a premature termination codon in ZFYVE26, a gene where loss-of-function variants are known to be pathogenic. Please note: this variant was assessed in the context of healthy population screening.